The following is an entry in ClinVar:

ClinVar aggregate classification (germline): Uncertain significance (1 of 4 stars; one submission).

Submission:

Ambry Genetics
Classification: Uncertain significance. Last evaluated: 2024-04-22. Review status: criteria provided, single submitter. Criteria: Ambry Variant Classification Scheme 2023. Collection method: clinical testing. Allele origin: germline.
Comment: The p.E1716A variant (also known as c.5147A>C), located in coding exon 16 of the POLQ gene, results from an A to C substitution at nucleotide position 5147. The glutamic acid at codon 1716 is replaced by alanine, an amino acid with dissimilar properties. This amino acid position is conserved. In addition, this alteration is predicted to be tolerated by in silico analysis. Since supporting evidence is limited at this time, the clinical significance of this alteration remains unclear.

NM_199420.4(POLQ):c.5147A>C (p.Glu1716Ala)

Gene: POLQ (DNA polymerase theta; minus strand). Cytogenetic location: 3q13.33.
Variant type: single nucleotide variant.
Coding change: c.5147A>C on transcript NM_199420.4 (MANE Select); coding-DNA position 5147, A replaced by C.
Protein change: p.Glu1716Ala; replaces glutamic acid 1716 with alanine.
Molecular consequence: missense variant.
Genome position (GRCh38, 1-based): chr3:121,487,784, T>G on the plus strand (A>C on the coding strand, the complement: POLQ is on the minus strand). VCF-style: chr3-121487784-T-G. GRCh37 (hg19) VCF-style: chr3-121206631-T-G.
Other names: short protein forms E1716A.
Identifiers: ClinVar variation 1745637 (VCV001745637.3), dbSNP rs2546785069, ClinGen allele CA354091772.